The following is an entry in ClinVar:

NM_006922.4(SCN3A):c.4732G>C (p.Val1578Leu)

Gene: SCN3A (sodium voltage-gated channel alpha subunit 3; minus strand). Cytogenetic location: 2q24.3.
Variant type: single nucleotide variant.
Coding change: c.4732G>C on transcript NM_006922.4 (MANE Select); coding-DNA position 4732, G replaced by C.
Protein change: p.Val1578Leu; replaces valine 1578 with leucine.
Molecular consequence: missense variant.
Genome position (GRCh38, 1-based): chr2:165,092,329, C>G on the plus strand (G>C on the coding strand, the complement: SCN3A is on the minus strand). VCF-style: chr2-165092329-C-G. GRCh37 (hg19) VCF-style: chr2-165948839-C-G.
Other names: c.4585G>C, p.Val1529Leu (NM_001081676.2, NM_001081677.2); short protein forms V1529L, V1578L.
Identifiers: ClinVar variation 2987020 (VCV002987020.3), dbSNP rs138241452, ClinGen allele CA349018960.

ClinVar aggregate classification (germline): Uncertain significance (1 of 4 stars; one submission).

Submission:

Labcorp Genetics (formerly Invitae), Labcorp
Classification: Uncertain significance. Last evaluated: 2023-10-26. Review status: criteria provided, single submitter. Criteria: Invitae Variant Classification Sherloc (09022015). Collection method: clinical testing. Allele origin: germline.
Comment: This sequence change replaces valine, which is neutral and non-polar, with leucine, which is neutral and non-polar, at codon 1578 of the SCN3A protein (p.Val1578Leu). This variant is not present in population databases (gnomAD no frequency). This variant has not been reported in the literature in individuals affected with SCN3A-related conditions. Advanced modeling of protein sequence and biophysical properties (such as structural, functional, and spatial information, amino acid conservation, physicochemical variation, residue mobility, and thermodynamic stability) performed at Invitae indicates that this missense variant is not expected to disrupt SCN3A protein function with a negative predictive value of 95%. In summary, the available evidence is currently insufficient to determine the role of this variant in disease. Therefore, it has been classified as a Variant of Uncertain Significance.